The following is an entry in ClinVar:

ClinVar aggregate classification (germline): Likely benign. Review status: criteria provided, single submitter (1 of 4 stars). 3 submissions from 3 submitters: Likely benign (1). 2 of the submissions do not count toward it. Last evaluated 2025-06-17.

Conditions:
ACAD9-related disorder. Also called: ACAD9-related condition.
Acyl-CoA dehydrogenase 9 deficiency. Also called: Acyl-CoA dehydrogenase family, member 9, deficiency of; MITOCHONDRIAL COMPLEX I DEFICIENCY, NUCLEAR TYPE 20. Identifiers: Orphanet 99901, MedGen C4747517, MONDO:0012624, OMIM 611126.

Allele frequency attached by ClinVar (database versions not stated): gnomAD 0.00001.
gnomAD v4.1: 2 of 1,614,026 alleles (0.00012%); highest among the groups gnomAD compares: African/African-American, 0.0027%; no homozygotes.

Submissions (3):

Labcorp Genetics (formerly Invitae), Labcorp
Classification: Likely benign. Last evaluated: 2025-06-17. Review status: criteria provided, single submitter. Criteria: Invitae Variant Classification Sherloc (09022015). Collection method: clinical testing. Allele origin: germline.

Natera, Inc.
Classification: Uncertain significance for ACAD9 deficiency. Last evaluated: 2025-03-18. Review status: no assertion criteria provided. Collection method: clinical testing. Allele origin: germline. Not counted in ClinVar's aggregate classification.

PreventionGenetics, part of Exact Sciences
Classification: Likely benign for ACAD9-related condition. Last evaluated: 2022-09-12. Review status: no assertion criteria provided. Collection method: clinical testing. Allele origin: germline. Not counted in ClinVar's aggregate classification.
Comment: This variant is classified as likely benign based on ACMG/AMP sequence variant interpretation guidelines (Richards et al. 2015 PMID: 25741868, with internal and published modifications).

NM_014049.5(ACAD9):c.634-9T>C

Gene: ACAD9 (acyl-CoA dehydrogenase family member 9; plus strand). Cytogenetic location: 3q21.3.
Variant type: single nucleotide variant.
Coding change: c.634-9T>C on transcript NM_014049.5 (MANE Select); 9 bases into the intron before coding-DNA position 634, T replaced by C.
Molecular consequence: intron variant.
Genome position (GRCh38, 1-based): chr3:128,899,278, T>C. VCF-style: chr3-128899278-T-C. GRCh37 (hg19) VCF-style: chr3-128618121-T-C.
Other names: c.265-9T>C (NM_001410805.1).
Identifiers: ClinVar variation 3036000 (VCV003036000.4), dbSNP rs1935660610, ClinGen allele CA1053388911.
Genomic context (GRCh38, chr3:128,899,278, plus strand): 5'-ACAAAGACAGAGCTGAGGTGGGTCACATAGGGGTTTGGTTTTCTCCAAAGTCCATCTTTC[T>C]GTCCTCAGGTCTGGATTACTAATGGAGGACTGGCCAATATTTTTACTGTGTTTGCAAAGA-3'